The following is an entry in ClinVar:

ClinVar aggregate classification (germline): Uncertain significance (1 of 4 stars; one submission).

Conditions:
Familial thoracic aortic aneurysm and aortic dissection (TAAD). Also called: Thoracic aortic aneurysms and dissections. Identifiers: Orphanet 91387, MedGen C4707243, MONDO:0019625.

Submission:

Color Diagnostics, LLC DBA Color Health
Classification: Uncertain significance for Familial thoracic aortic aneurysm and aortic dissection. Last evaluated: 2024-03-07. Review status: criteria provided, single submitter. Criteria: ACMG Guidelines, 2015. Collection method: clinical testing. Allele origin: germline.
Comment: This missense variant replaces glycine with glutamic acid at codon 760 of the FBN1 protein. Computational prediction suggests that this variant may have deleterious impact on protein structure and function (internally defined REVEL score threshold >= 0.7, PMID: 27666373). To our knowledge, functional studies have not been reported for this variant. This variant has not been reported in individuals affected with cardiovascular disorders in the literature. This variant has not been identified in the general population by the Genome Aggregation Database (gnomAD). The available evidence is insufficient to determine the role of this variant in disease conclusively. Therefore, this variant is classified as a Variant of Uncertain Significance.

NM_000138.5(FBN1):c.2279G>A (p.Gly760Glu)

Gene: FBN1 (fibrillin 1; minus strand). Cytogenetic location: 15q21.1.
Variant type: single nucleotide variant.
Coding change: c.2279G>A on transcript NM_000138.5 (MANE Select); coding-DNA position 2279, G replaced by A.
Protein change: p.Gly760Glu; replaces glycine 760 with glutamic acid.
Molecular consequence: missense variant.
Genome position (GRCh38, 1-based): chr15:48,497,280, C>T on the plus strand (G>A on the coding strand, the complement: FBN1 is on the minus strand). VCF-style: chr15-48497280-C-T. GRCh37 (hg19) VCF-style: chr15-48789477-C-T.
Other names: short protein forms G760E.
Identifiers: ClinVar variation 1171674 (VCV001171674.3), dbSNP rs2141306332, ClinGen allele CA392335608.
Genomic context (GRCh38, chr15:48,497,280, plus strand): 5'-ATGCATTATGCAGGCAATGTTTCAGAAAATGGGTAAAACTTCTCACCAACGCAGTTTTTC[C>T]CAGTTGAATCCACTTCATATCCTGAATTGCATATACATTTATAGGTCCCACGAAGGTTTT-3'
Protein context (NP_000129.3, residues 750-770): CNSGYEVDST[Gly760Glu]KNCVDINECV